The following is an entry in ClinVar:

NM_004453.4(ETFDH):c.1448C>A (p.Pro483Gln)

Gene: ETFDH (electron transfer flavoprotein dehydrogenase; plus strand). Cytogenetic location: 4q32.1.
Variant type: single nucleotide variant.
Coding change: c.1448C>A on transcript NM_004453.4 (MANE Select); coding-DNA position 1448, C replaced by A.
Protein change: p.Pro483Gln; replaces proline 483 with glutamine.
Molecular consequence: missense variant.
Genome position (GRCh38, 1-based): chr4:158,706,351, C>A. VCF-style: chr4-158706351-C-A. GRCh37 (hg19) VCF-style: chr4-159627503-C-A.
Other names: c.1307C>A, p.Pro436Gln (NM_001281737.2); c.1265C>A, p.Pro422Gln (NM_001281738.1); short protein forms P422Q, P436Q, P483Q.
Identifiers: ClinVar variation 3336595 (VCV003336595.2).

ClinVar aggregate classification (germline): Conflicting classifications of pathogenicity. Review status: criteria provided, conflicting classifications (1 of 4 stars). 2 submissions from 2 submitters: Likely pathogenic (1); Uncertain significance (1). Last evaluated 2024-05-20.

Conditions:
Multiple acyl-CoA dehydrogenase deficiency (MADD). Also called: Glutaric Acidemia type 2; ETHYLMALONIC-ADIPICACIDURIA; GA II; Glutaric aciduria, type 2; Glutaric acidemia type II; GA 2. Identifiers: Orphanet 26791, MedGen C0268596, MONDO:0009282, OMIM 231680.

Submissions (2):

Fulgent Genetics
Classification: Likely pathogenic for Multiple acyl-CoA dehydrogenase deficiency. Last evaluated: 2024-05-20. Review status: criteria provided, single submitter. Criteria: ACMG Guidelines, 2015. Collection method: clinical testing. Allele origin: germline.

Women's Health and Genetics/Laboratory Corporation of America, LabCorp
Classification: Uncertain significance. Last evaluated: 2024-05-14. Review status: criteria provided, single submitter. Criteria: LabCorp Variant Classification Summary - May 2015. Collection method: clinical testing. Allele origin: germline.
Comment: Variant summary: ETFDH c.1448C>A (p.Pro483Gln) results in a non-conservative amino acid change in the encoded protein sequence. Five of five in-silico tools predict a damaging effect of the variant on protein function. The variant was absent in 251258 control chromosomes. c.1448C>A has been reported in the literature in at least one compound heterozygous individual affected with late-onset Glutaric Aciduria, Type 2 (e.g. Zhu_2023). These data are not sufficient alone to allow any conclusion about variant significance. To our knowledge, no experimental evidence demonstrating an impact on protein function has been reported. A different variant located at the same codon (c.1448C>T, p.Pro483Leu) has been classified as pathogenic, supporting a critical relevance of this residue to ETFDH protein function. The following publication has been ascertained in the context of this evaluation (PMID: 36779069). No submitters have cited clinical-significance assessments for this variant to ClinVar. Based on the evidence outlined above, the variant was classified as VUS-possibly pathogenic.

Literature cited by the submitters: PubMed 36779069 (cited by Women's Health and Genetics/Laboratory Corporation of America, LabCorp).